The following is an entry in ClinVar:

ClinVar aggregate classification (germline): Uncertain significance (1 of 4 stars; one submission).

Conditions:
Inborn genetic diseases. Identifiers: MedGen C0950123, MeSH D030342.

gnomAD v4.1: 15 of 1,613,662 alleles (0.00093%); highest among the groups gnomAD compares: Admixed American, 0.023%; no homozygotes.

Submission:

Ambry Genetics
Classification: Uncertain significance for Inborn genetic diseases. Last evaluated: 2024-04-16. Review status: criteria provided, single submitter. Criteria: Ambry Variant Classification Scheme 2023. Collection method: clinical testing. Allele origin: germline.
Comment: The p.D118E variant (also known as c.354T>A), located in coding exon 4 of the BUB1B gene, results from a T to A substitution at nucleotide position 354. The aspartic acid at codon 118 is replaced by glutamic acid, an amino acid with highly similar properties. This amino acid position is conserved. In addition, this alteration is predicted to be deleterious by in silico analysis. Based on the available evidence, the clinical significance of this variant remains unclear.

NM_001211.6(BUB1B):c.354T>A (p.Asp118Glu)

Gene: BUB1B (BUB1 mitotic checkpoint serine/threonine kinase B; plus strand). Cytogenetic location: 15q15.1.
Variant type: single nucleotide variant.
Coding change: c.354T>A on transcript NM_001211.6 (MANE Select); coding-DNA position 354, T replaced by A.
Protein change: p.Asp118Glu; replaces aspartic acid 118 with glutamic acid.
Molecular consequence: missense variant.
Genome position (GRCh38, 1-based): chr15:40,170,651, T>A. VCF-style: chr15-40170651-T-A. GRCh37 (hg19) VCF-style: chr15-40462852-T-A.
Other names: short protein forms D118E.
Identifiers: ClinVar variation 3262239 (VCV003262239.1).